The following is an entry in ClinVar:

NM_003235.5(TG):c.7157G>A (p.Arg2386His)

Gene: TG (thyroglobulin; plus strand). Cytogenetic location: 8q24.22.
Variant type: single nucleotide variant.
Coding change: c.7157G>A on transcript NM_003235.5 (MANE Select); coding-DNA position 7157, G replaced by A.
Protein change: p.Arg2386His; replaces arginine 2386 with histidine.
Molecular consequence: missense variant.
Genome position (GRCh38, 1-based): chr8:133,029,941, G>A. VCF-style: chr8-133029941-G-A. GRCh37 (hg19) VCF-style: chr8-134042186-G-A.
Other names: c.7157G>A (NM_003235.4); short protein forms R2386H.
Identifiers: ClinVar variation 2736353 (VCV002736353.12), dbSNP rs144905796, ClinGen allele CA4885151.

ClinVar aggregate classification (germline): Conflicting classifications of pathogenicity. Review status: criteria provided, conflicting classifications (1 of 4 stars). 4 submissions from 4 submitters: Uncertain significance (1); Benign (1); Likely benign (2). Last evaluated 2026-03-30.

Allele frequency attached by ClinVar (database versions not stated): gnomAD exomes 0.00039; TOPMed 0.00042; ESP Exome Variant Server 0.00046; 1000 Genomes Project 0.00060; 1000 Genomes Project 30x 0.00062; ExAC 0.00069; gnomAD 0.00098.
gnomAD v4.1: 716 of 1,614,218 alleles (0.044%); highest among the groups gnomAD compares: African/African-American, 0.08%; 4 homozygotes.

Submissions (4):

GeneDx
Classification: Uncertain significance. Last evaluated: 2026-03-30. Review status: criteria provided, single submitter. Criteria: GeneDx Variant Classification Process June 2021. Collection method: clinical testing. Allele origin: germline.
Comment: In silico analysis supports that this missense variant has a deleterious effect on protein structure/function; Has not been previously published as pathogenic or benign to our knowledge

CeGaT Center for Human Genetics Tuebingen
Classification: Likely benign. Last evaluated: 2025-11-01. Review status: criteria provided, single submitter. Criteria: CeGaT Center For Human Genetics Tuebingen Variant Classification Criteria Version 2. Collection method: clinical testing. Allele origin: germline. Affected: yes. Observed: 1 variant allele.
Comment: TG: BP4, BS2

Labcorp Genetics (formerly Invitae), Labcorp
Classification: Benign. Last evaluated: 2025-10-19. Review status: criteria provided, single submitter. Criteria: Invitae Variant Classification Sherloc (09022015). Collection method: clinical testing. Allele origin: germline.

Blueprint Genetics
Classification: Likely benign. Last evaluated: 2024-11-21. Review status: criteria provided, single submitter. Criteria: ACMG Guidelines, 2015. Collection method: clinical testing. Allele origin: germline.